The following is an entry in ClinVar:

NM_000440.3(PDE6A):c.942C>G (p.Asn314Lys)

Gene: PDE6A (phosphodiesterase 6A; minus strand). Cytogenetic location: 5q32.
Variant type: single nucleotide variant.
Coding change: c.942C>G on transcript NM_000440.3 (MANE Select); coding-DNA position 942, C replaced by G.
Protein change: p.Asn314Lys; replaces asparagine 314 with lysine.
Molecular consequence: missense variant.
Genome position (GRCh38, 1-based): chr5:149,914,999, G>C on the plus strand (C>G on the coding strand, the complement: PDE6A is on the minus strand). VCF-style: chr5-149914999-G-C. GRCh37 (hg19) VCF-style: chr5-149294562-G-C.
Other names: short protein forms N314K.
Identifiers: ClinVar variation 1006438 (VCV001006438.8), dbSNP rs1753506772, ClinGen allele CA361699277.

ClinVar aggregate classification (germline): Uncertain significance (1 of 4 stars; one submission).

gnomAD v4.1: 7 of 1,343,432 alleles (0.00052%); highest among the groups gnomAD compares: Non-Finnish European, 0.00073%; no homozygotes.

Submission:

Labcorp Genetics (formerly Invitae), Labcorp
Classification: Uncertain significance. Last evaluated: 2022-08-19. Review status: criteria provided, single submitter. Criteria: Invitae Variant Classification Sherloc (09022015). Collection method: clinical testing. Allele origin: germline.
Comment: This sequence change replaces asparagine, which is neutral and polar, with lysine, which is basic and polar, at codon 314 of the PDE6A protein (p.Asn314Lys). This variant is not present in population databases (gnomAD no frequency). This variant has not been reported in the literature in individuals affected with PDE6A-related conditions. ClinVar contains an entry for this variant (Variation ID: 1006438). Algorithms developed to predict the effect of missense changes on protein structure and function (SIFT, PolyPhen-2, Align-GVGD) all suggest that this variant is likely to be tolerated. In summary, the available evidence is currently insufficient to determine the role of this variant in disease. Therefore, it has been classified as a Variant of Uncertain Significance.